The following is an entry in ClinVar:

NM_031844.3(HNRNPU):c.1118-7_1118-3del

Gene: HNRNPU (heterogeneous nuclear ribonucleoprotein U; minus strand). Cytogenetic location: 1q44.
Variant type: Deletion.
Coding change: c.1118-7_1118-3del on transcript NM_031844.3 (MANE Select); 7 bases into the intron before coding-DNA position 1118 through 3 bases into the intron before coding-DNA position 1118, 5 bases deleted (TTCTT; older notation c.1118-7_1118-3delTTCTT).
Molecular consequence: intron variant.
Genome position (GRCh38, 1-based): chr1:244,858,844-244,858,848, AAGAA deleted on the plus strand (TTCTT on the coding strand, the reverse complement: HNRNPU is on the minus strand); deleting any 5 consecutive bases within chr1:244,858,844-244,858,850 gives the same sequence; the c. name uses the placement nearest the transcript's 3' end. VCF-style (leftmost placement, unchanged base first): chr1-244858843-TAAGAA-T. GRCh37 (hg19) VCF-style: chr1-245022145-TAAGAA-T.
Other names: c.1061-7_1061-3del (NM_004501.3); c.1118-7_1118-3delTTCTT (NM_031844.2).
Identifiers: ClinVar variation 423944 (VCV000423944.12), dbSNP rs1064796710, ClinGen allele CA16617126.

ClinVar aggregate classification (germline): Conflicting classifications of pathogenicity. Review status: criteria provided, conflicting classifications (1 of 4 stars). 2 submissions from 2 submitters: Pathogenic (1); Uncertain significance (1). Last evaluated 2024-01-03.

Conditions:
Developmental and epileptic encephalopathy, 54. Also called: Epileptic encephalopathy, early infantile, 54; HNRNPU-Related Neurodevelopmental Disorder. Identifiers: MedGen C4479319, MONDO:0033363, OMIM 617391.

Submissions (2):

GeneDx
Classification: Pathogenic. Last evaluated: 2024-01-03. Review status: criteria provided, single submitter. Criteria: GeneDx Variant Classification Process June 2021. Collection method: clinical testing. Allele origin: germline. Affected: yes.
Comment: Not observed at significant frequency in large population cohorts (gnomAD); In silico analysis supports a deleterious effect on splicing; Has not been previously published as pathogenic or benign to our knowledge

Labcorp Genetics (formerly Invitae), Labcorp
Classification: Uncertain significance for Developmental and epileptic encephalopathy, 54. Last evaluated: 2018-12-13. Review status: criteria provided, single submitter. Criteria: Invitae Variant Classification Sherloc (09022015). Collection method: clinical testing. Allele origin: germline.
Comment: This sequence change falls in intron 5 of the HNRNPU gene. It does not directly change the encoded amino acid sequence of the HNRNPU protein, but it affects a nucleotide within the consensus splice site of the intron. This variant is not present in population databases (ExAC no frequency). This variant has not been reported in the literature in individuals with HNRNPU-related conditions. ClinVar contains an entry for this variant (Variation ID: 423944). Nucleotide substitutions within the consensus splice site are a relatively common cause of aberrant splicing (PMID: 17576681, 9536098). Algorithms developed to predict the effect of sequence changes on RNA splicing suggest that this variant may disrupt the consensus splice site, but this prediction has not been confirmed by published transcriptional studies. In summary, the available evidence is currently insufficient to determine the role of this variant in disease. Therefore, it has been classified as a Variant of Uncertain Significance.

Literature cited by the submitters: PubMed 17576681 (cited by Labcorp Genetics (formerly Invitae), Labcorp); PubMed 9536098 (cited by Labcorp Genetics (formerly Invitae), Labcorp).